The following is an entry in ClinVar:

NM_000719.7(CACNA1C):c.2284C>T (p.Leu762Phe)

Gene: CACNA1C (calcium voltage-gated channel subunit alpha1 C; plus strand). Cytogenetic location: 12p13.33.
Variant type: single nucleotide variant.
Coding change: c.2284C>T on transcript NM_000719.7 (MANE Select); coding-DNA position 2284, C replaced by T.
Protein change: p.Leu762Phe; replaces leucine 762 with phenylalanine.
Molecular consequence: missense variant.
Genome position (GRCh38, 1-based): chr12:2,584,562, C>T. VCF-style: chr12-2584562-C-T. GRCh37 (hg19) VCF-style: chr12-2693728-C-T.
Other names: c.2284C>T, p.Leu762Phe (NM_001129837.2, NM_001129838.2, NM_001129839.2 and 18 more transcripts); c.2275C>T, p.Leu759Phe (NM_001129844.2); short protein forms L759F, L762F.
Identifiers: ClinVar variation 872567 (VCV000872567.43), dbSNP rs2061710859, ClinGen allele CA383371466.

ClinVar aggregate classification (germline): Conflicting classifications of pathogenicity. Review status: criteria provided, conflicting classifications (1 of 4 stars). 2 submissions from 2 submitters: Likely pathogenic (1); Uncertain significance (1). Last evaluated 2023-10-03.

Conditions:
Cardiovascular phenotype. Identifiers: MedGen CN230736.

Submissions (2):

Ambry Genetics
Classification: Uncertain significance for Cardiovascular phenotype. Last evaluated: 2023-10-03. Review status: criteria provided, single submitter. Criteria: Ambry Variant Classification Scheme 2023. Collection method: clinical testing. Allele origin: germline.
Comment: The p.L762F variant (also known as c.2284C>T), located in coding exon 16 of the CACNA1C gene, results from a C to T substitution at nucleotide position 2284. The leucine at codon 762 is replaced by phenylalanine, an amino acid with highly similar properties. This variant was detected in a child with prolonged QTc, and showed co-segregation in at least two additional affected family members; furthermore, functional studies suggested some impact on cardiac repolarization (Landstrom AP et al. Int. J. Cardiol., 2016 Oct;220:290-8). This amino acid position is highly conserved in available vertebrate species. In addition, this alteration is predicted to be deleterious by in silico analysis. Since supporting evidence is limited at this time, the clinical significance of this alteration remains unclear.

CeGaT Center for Human Genetics Tuebingen
Classification: Likely pathogenic. Last evaluated: 2019-09-01. Review status: criteria provided, single submitter. Criteria: CeGaT Center For Human Genetics Tuebingen Variant Classification Criteria Version 2. Collection method: clinical testing. Allele origin: germline. Affected: yes. Observed: 3 variant alleles.

Literature cited by the submitters: PubMed 27390944 (cited by Ambry Genetics).